The following is an entry in ClinVar:

NM_020822.3(KCNT1):c.3284G>A (p.Gly1095Asp)

Gene: KCNT1 (potassium sodium-activated channel subfamily T member 1; plus strand). Cytogenetic location: 9q34.3.
Variant type: single nucleotide variant.
Coding change: c.3284G>A on transcript NM_020822.3 (MANE Select); coding-DNA position 3284, G replaced by A.
Protein change: p.Gly1095Asp; replaces glycine 1095 with aspartic acid.
Molecular consequence: missense variant.
Genome position (GRCh38, 1-based): chr9:135,786,303, G>A. VCF-style: chr9-135786303-G-A. GRCh37 (hg19) VCF-style: chr9-138678149-G-A.
Other names: c.3149G>A, p.Gly1050Asp (NM_001272003.2); short protein forms G1050D, G1095D.
Identifiers: ClinVar variation 1004073 (VCV001004073.9), dbSNP rs1206215512, ClinGen allele CA375491654.
Genomic context (GRCh38, chr9:135,786,303, plus strand): 5'-TGAAGGGGCCCTGGGGCTCCCGCGCTGGCACCGGAGGCAGCTCCCAGGGCCGCCACACGG[G>A]CGGCGGTGACCCCGCAGAGCACCCACTGCTACGGCGCAAGAGCCTGCAGTGGGCCCGGAG-3'
Protein context (NP_065873.2, residues 1085-1105): TGGSSQGRHT[Gly1095Asp]GGDPAEHPLL

ClinVar aggregate classification (germline): Uncertain significance (1 of 4 stars; one submission).

Conditions:
Autosomal dominant nocturnal frontal lobe epilepsy 5. Also called: KCNT1-Related Epilepsy; CILIARY DYSKINESIA, PRIMARY, 28, WITHOUT SITUS INVERSUS; CILIARY DYSKINESIA, PRIMARY, 28, WITH SITUS INVERSUS; Epilepsy, nocturnal frontal lobe, 5. Identifiers: Orphanet 98784, MedGen C3554306, MONDO:0014002, OMIM 615005.
Developmental and epileptic encephalopathy, 14 (DEE14). Also called: Early infantile epileptic encephalopathy 14. Identifiers: Orphanet 293181, MedGen C3554195, MONDO:0013989, OMIM 614959.

Allele frequency attached by ClinVar (database versions not stated): gnomAD exomes below 0.00001; TOPMed below 0.00001; gnomAD 0.00001.
gnomAD v4.1: 3 of 1,603,626 alleles (0.00019%); highest among the groups gnomAD compares: African/African-American, 0.0027%; no homozygotes.

Submission:

Labcorp Genetics (formerly Invitae), Labcorp
Classification: Uncertain significance for Autosomal dominant nocturnal frontal lobe epilepsy 5; Developmental and epileptic encephalopathy, 14. Last evaluated: 2025-06-17. Review status: criteria provided, single submitter. Criteria: Invitae Variant Classification Sherloc (09022015). Collection method: clinical testing. Allele origin: germline.
Comment: This sequence change replaces glycine, which is neutral and non-polar, with aspartic acid, which is acidic and polar, at codon 1095 of the KCNT1 protein (p.Gly1095Asp). The frequency data for this variant in the population databases is considered unreliable, as metrics indicate poor data quality at this position in the gnomAD database. This variant has not been reported in the literature in individuals affected with KCNT1-related conditions. ClinVar contains an entry for this variant (Variation ID: 1004073). Invitae Evidence Modeling of protein sequence and biophysical properties (such as structural, functional, and spatial information, amino acid conservation, physicochemical variation, residue mobility, and thermodynamic stability) indicates that this missense variant is not expected to disrupt KCNT1 protein function with a negative predictive value of 80%. In summary, the available evidence is currently insufficient to determine the role of this variant in disease. Therefore, it has been classified as a Variant of Uncertain Significance.